The following is an entry in ClinVar:

NM_145698.5(ACBD5):c.1297C>T (p.Arg433Ter)

Gene: ACBD5 (acyl-CoA binding domain containing 5; minus strand). Cytogenetic location: 10p12.1.
Variant type: single nucleotide variant.
Coding change: c.1297C>T on transcript NM_145698.5 (MANE Select); coding-DNA position 1297, C replaced by T.
Protein change: p.Arg433Ter; replaces arginine 433 with a stop codon.
Molecular consequence: nonsense.
Genome position (GRCh38, 1-based): chr10:27,208,353, G>A on the plus strand (C>T on the coding strand, the complement: ACBD5 is on the minus strand). VCF-style: chr10-27208353-G-A. GRCh37 (hg19) VCF-style: chr10-27497282-G-A.
Other names: c.1192C>T, p.Arg398Ter (NM_001042473.4, NM_001352577.2, NM_001352578.2 and 1 more transcripts); c.1291C>T, p.Arg431Ter (NM_001271512.3); c.970C>T, p.Arg324Ter (NM_001301251.2, NM_001301252.2, NM_001301253.2 and 2 more transcripts); c.766C>T, p.Arg256Ter (NM_001301254.2); c.1351C>T, p.Arg451Ter (NM_001352568.1); c.1330C>T, p.Arg444Ter (NM_001352569.1); c.1297C>T, p.Arg433Ter (NM_001352570.1); c.1324C>T, p.Arg442Ter (NM_001352571.1); and 10 more; short protein forms R256*, R324*, R330*, R335*, R363*, R365*, R374*, R376*.
Identifiers: ClinVar variation 1298477 (VCV001298477.36), dbSNP rs1426447692, ClinGen allele CA376373350.

ClinVar aggregate classification (germline): Pathogenic/Likely pathogenic. Review status: criteria provided, multiple submitters, no conflicts (2 of 4 stars). 2 submissions from 2 submitters: Pathogenic (1); Likely pathogenic (1). Last evaluated 2025-10-22.

Conditions:
Retinal disorder. Also called: Retinopathy; Retinopathies; Retinal Diseases; Retinal disorders. Identifiers: MedGen C0035309, MONDO:0005283, HP:0000488.

Allele frequency attached by ClinVar (database versions not stated): TOPMed below 0.00001; gnomAD 0.00001.

Submissions (2):

Genetics Laboratory, Great Ormond Street Hospital NHS Foundation Trust, North Thames Genomic Laboratory Hub
Classification: Pathogenic for Retinal disorders. Last evaluated: 2025-10-22. Review status: criteria provided, single submitter. Criteria: ACGS Best Practice Guidelines for Variant Classification in Rare Disease 2024 v1.2. Collection method: clinical testing. Allele origin: germline. Affected: yes.
Comment: PM2_moderate, PVS1_very-strong

CeGaT Center for Human Genetics Tuebingen
Classification: Likely pathogenic. Last evaluated: 2021-09-01. Review status: criteria provided, single submitter. Criteria: CeGaT Center For Human Genetics Tuebingen Variant Classification Criteria Version 2. Collection method: clinical testing. Allele origin: germline. Affected: yes. Observed: 1 variant allele.